The following is an entry in ClinVar:

ClinVar aggregate classification (germline): Pathogenic (1 of 4 stars; one submission).

Submission:

Labcorp Genetics (formerly Invitae), Labcorp
Classification: Pathogenic. Last evaluated: 2020-04-27. Review status: criteria provided, single submitter. Criteria: Invitae Variant Classification Sherloc (09022015). Collection method: clinical testing. Allele origin: germline.
Comment: For these reasons, this variant has been classified as Pathogenic. Loss-of-function variants in HPS3 are known to be pathogenic (PMID: 11590544). This variant has not been reported in the literature in individuals with HPS3-related conditions. This variant is not present in population databases (ExAC no frequency). This sequence change creates a premature translational stop signal (p.Asn390Thrfs*25) in the HPS3 gene. It is expected to result in an absent or disrupted protein product.

Literature cited by the submitters: PubMed 11590544.

NM_032383.5(HPS3):c.1169del (p.Asn390fs)

Gene: HPS3 (HPS3 biogenesis of lysosomal organelles complex 2 subunit 1; plus strand). Cytogenetic location: 3q24.
Variant type: Deletion.
Coding change: c.1169del on transcript NM_032383.5 (MANE Select); coding-DNA position 1169, one base deleted (A; older notation c.1169delA).
Protein change: p.Asn390fs; shifts the reading frame from asparagine 390.
Molecular consequence: frameshift variant.
Genome position (GRCh38, 1-based): chr3:149,150,604, A deleted; the last of 2 consecutive A bases (chr3:149,150,603-149,150,604); deleting either gives the same sequence. VCF-style (leftmost placement, unchanged base first): chr3-149150602-CA-C. GRCh37 (hg19) VCF-style: chr3-148868389-CA-C.
Other names: c.674del, p.Asn225fs (NM_001308258.2); short protein forms N225fs, N390fs.
Identifiers: ClinVar variation 1076556 (VCV001076556.7), dbSNP rs2108146990, ClinGen allele CA2499216540.
Genomic context (GRCh38, chr3:149,150,602, plus strand): 5'-GTGGGTATGTTGGTTCTTGGCCTCACTTTGCTCAGCAGCCTGTGTCTTCCTCCTCAGTAA[CA>C]ACCTGCAGTGTTTCACTGTGCGGTGCAGTGCGGCGGCAGCTCGTGAGGAGGACCCGTACA-3'